The following is an entry in ClinVar:

ClinVar aggregate classification (germline): Uncertain significance (1 of 4 stars; one submission).

Submission:

GeneDx
Classification: Uncertain significance. Last evaluated: 2022-10-05. Review status: criteria provided, single submitter. Criteria: GeneDx Variant Classification Process June 2021. Collection method: clinical testing. Allele origin: germline. Affected: yes.
Comment: Not observed at significant frequency in large population cohorts (gnomAD); In-frame deletion of 10 amino acids in a non-repeat region; In silico analysis supports a deleterious effect on protein structure/function; Has not been previously published as pathogenic or benign to our knowledge

NM_001303052.2(MYT1L):c.2075_2104del (p.Thr692_Ser701del)

Gene: MYT1L (myelin transcription factor 1 like; minus strand). Cytogenetic location: 2p25.3.
Variant type: Deletion.
Coding change: c.2075_2104del on transcript NM_001303052.2 (MANE Select); coding-DNA positions 2075 to 2104, 30 bases deleted (CCAGCAGCTACGCGCCCAGCAGCAGCAGCA).
Protein change: p.Thr692_Ser701del.
Molecular consequence: inframe deletion.
Genome position (GRCh38, 1-based): chr2:1,892,216-1,892,245, TGCTGCTGCTGCTGGGCGCGTAGCTGCTGG deleted on the plus strand (CCAGCAGCTACGCGCCCAGCAGCAGCAGCA on the coding strand, the reverse complement: MYT1L is on the minus strand); deleting any 30 consecutive bases within chr2:1,892,216-1,892,261 gives the same sequence; the c. name uses the placement nearest the transcript's 3' end. VCF-style (leftmost placement, unchanged base first): chr2-1892215-TTGCTGCTGCTGCTGGGCGCGTAGCTGCTGG-T. GRCh37 (hg19) VCF-style: chr2-1895987-TTGCTGCTGCTGCTGGGCGCGTAGCTGCTGG-T.
Other names: c.2075_2104del, p.Thr692_Ser701del (NM_001329844.2, NM_001329845.1, NM_001329851.3); c.2069_2098del, p.Thr690_Ser699del (NM_001329846.3, NM_001329847.2, NM_001329848.1 and 3 more transcripts).
Identifiers: ClinVar variation 1304538 (VCV001304538.3), dbSNP rs2148877512, ClinGen allele CA2573051824.